The following is an entry in ClinVar:

NM_004100.5(EYA4):c.260C>T (p.Thr87Ile)

Gene: EYA4 (EYA transcriptional coactivator and phosphatase 4; plus strand). Cytogenetic location: 6q23.2.
Variant type: single nucleotide variant.
Coding change: c.260C>T on transcript NM_004100.5 (MANE Select); coding-DNA position 260, C replaced by T.
Protein change: p.Thr87Ile; replaces threonine 87 with isoleucine.
Molecular consequence: missense variant. On other transcripts: intron variant (4).
Genome position (GRCh38, 1-based): chr6:133,448,162, C>T. VCF-style: chr6-133448162-C-T. GRCh37 (hg19) VCF-style: chr6-133769300-C-T.
Other names: c.260C>T, p.Thr87Ile (NM_001301013.2, NM_172105.4); c.208+1408C>T (NM_001370458.1, NM_172103.4, NM_001370459.1 and 1 more transcripts); short protein forms T87I.
Identifiers: ClinVar variation 659120 (VCV000659120.11), dbSNP rs753132753, ClinGen allele CA4007988.

ClinVar aggregate classification (germline): Uncertain significance. Review status: criteria provided, multiple submitters, no conflicts (2 of 4 stars). 2 submissions from 2 submitters: Uncertain significance (2). Last evaluated 2026-01-05.

Conditions:
Dilated cardiomyopathy 1J (CMD1J). Also called: CARDIOMYOPATHY, DILATED, WITH SENSORINEURAL HEARING LOSS, AUTOSOMAL DOMINANT. Identifiers: Orphanet 217622, MedGen C1854368, MONDO:0011541, OMIM 605362.
Cardiovascular phenotype. Identifiers: MedGen CN230736.

Allele frequency attached by ClinVar (database versions not stated): gnomAD 0.00001; gnomAD exomes 0.00001; TOPMed 0.00001; ExAC 0.00002.
gnomAD v4.1: 15 of 1,612,810 alleles (0.00093%); highest among the groups gnomAD compares: Non-Finnish European, 0.0012%; no homozygotes.

Submissions (2):

Labcorp Genetics (formerly Invitae), Labcorp
Classification: Uncertain significance for Dilated cardiomyopathy 1J. Last evaluated: 2026-01-05. Review status: criteria provided, single submitter. Criteria: Invitae Variant Classification Sherloc (09022015). Collection method: clinical testing. Allele origin: germline.
Comment: This sequence change replaces threonine, which is neutral and polar, with isoleucine, which is neutral and non-polar, at codon 87 of the EYA4 protein (p.Thr87Ile). This variant is present in population databases (rs753132753, gnomAD 0.002%). This variant has not been reported in the literature in individuals affected with EYA4-related conditions. ClinVar contains an entry for this variant (Variation ID: 659120). An algorithm developed to predict the effect of missense changes on protein structure and function (PolyPhen-2) suggests that this variant is likely to be tolerated. In summary, the available evidence is currently insufficient to determine the role of this variant in disease. Therefore, it has been classified as a Variant of Uncertain Significance.

Ambry Genetics
Classification: Uncertain significance for Cardiovascular phenotype. Last evaluated: 2023-10-12. Review status: criteria provided, single submitter. Criteria: Ambry Variant Classification Scheme 2023. Collection method: clinical testing. Allele origin: germline.
Comment: The p.T87I variant (also known as c.260C>T), located in coding exon 4 of the EYA4 gene, results from a C to T substitution at nucleotide position 260. The threonine at codon 87 is replaced by isoleucine, an amino acid with similar properties. This amino acid position is conserved. In addition, this alteration is predicted to be tolerated by in silico analysis. Since supporting evidence is limited at this time, the clinical significance of this alteration remains unclear.